The following is an entry in ClinVar:

NM_001257291.2(SLC9A7):c.1993A>G (p.Thr665Ala)

Gene: SLC9A7 (solute carrier family 9 member A7; minus strand). Cytogenetic location: Xp11.3.
Variant type: single nucleotide variant.
Coding change: c.1993A>G on transcript NM_001257291.2 (MANE Select); coding-DNA position 1993, A replaced by G.
Protein change: p.Thr665Ala; replaces threonine 665 with alanine.
Molecular consequence: missense variant.
Genome position (GRCh38, 1-based): chrX:46,607,140, T>C on the plus strand (A>G on the coding strand, the complement: SLC9A7 is on the minus strand). VCF-style: chrX-46607140-T-C. GRCh37 (hg19) VCF-style: chrX-46466575-T-C.
Other names: c.1990A>G, p.Thr664Ala (NM_032591.3); short protein forms T664A, T665A.
Identifiers: ClinVar variation 4586392 (VCV004586392.1).

ClinVar aggregate classification (germline): Uncertain significance (1 of 4 stars; one submission).

gnomAD v4.1: 5 of 1,209,018 alleles (0.00041%); highest among the groups gnomAD compares: African/African-American, 0.0088%; no homozygotes.

Submission:

Ambry Genetics
Classification: Uncertain significance. Last evaluated: 2025-12-02. Review status: criteria provided, single submitter. Criteria: Ambry Variant Classification Scheme 2023. Collection method: clinical testing. Allele origin: germline.
Comment: The c.1990A>G (p.T664A) alteration is located in exon 17 (coding exon 17) of the SLC9A7 gene. This alteration results from a A to G substitution at nucleotide position 1990, causing the threonine (T) at amino acid position 664 to be replaced by an alanine (A). Based on data from gnomAD, the G allele has an overall frequency of 0.001% (2/203947) total alleles studied. The highest observed frequency was 0.011% (2/18888) of African alleles. Based on insufficient or conflicting evidence, the clinical significance of this alteration remains unclear.